The following is an entry in ClinVar:

ClinVar aggregate classification (germline): Benign/Likely benign. Review status: criteria provided, multiple submitters, no conflicts (2 of 4 stars). 16 submissions from 14 submitters: Benign (9); Likely benign (2). 5 of the submissions do not count toward it. Last evaluated 2026-02-04.

Conditions:
Pyruvate dehydrogenase complex deficiency (PDHC). Also called: Pyruvate Dehydrogenase Complex Deficiency Disease; Pyruvate dehydrogenase deficiency; Ataxia with lactic acidosis 1; PYRUVATE DECARBOXYLASE DEFICIENCY; PDH DEFICIENCY. Identifiers: Orphanet 765, Orphanet 79243, MedGen C0034345, MONDO:0019169.
Pyruvate dehydrogenase E3 deficiency (DLDD). Also called: MAPLE SYRUP URINE DISEASE, TYPE III; Dihydrolipoamide Dehydrogenase E3 Deficiency; Dihydrolipoamide Dehydrogenase Deficiency; Dihydrolipoamide Dehydrogenase (E3) Deficiency; DLD DEFICIENCY; E3 DEFICIENCY. Identifiers: Orphanet 2394, Orphanet 765, MedGen C5574660, MONDO:0009529, OMIM 246900.
Leigh syndrome (NULS). Also called: Leigh Disease; Subacute necrotizing encephalopathy; Necrotizing encephalopathy infantile subacute of Leigh; Leigh Syndrome (mtDNA deletion); Leigh's necrotizing encephalopathy; Leigh's disease. Identifiers: Orphanet 506, MedGen C2931891, MONDO:0009723, OMIM 256000.

Allele frequency attached by ClinVar (database versions not stated): gnomAD exomes 0.59006 and 0.61329; ExAC 0.61818; ESP Exome Variant Server 0.64852; gnomAD 0.65991 and 0.66181; TOPMed 0.66722; 1000 Genomes Project 0.71605; 1000 Genomes Project 30x 0.71752.
gnomAD v4.1: 961,061 of 1,608,560 alleles (60%); highest among the groups gnomAD compares: East Asian, 86%; 292,000 homozygotes.

Submissions (16):

Labcorp Genetics (formerly Invitae), Labcorp
Classification: Benign for Pyruvate dehydrogenase E3 deficiency. Last evaluated: 2026-02-04. Review status: criteria provided, single submitter. Criteria: Invitae Variant Classification Sherloc (09022015). Collection method: clinical testing. Allele origin: germline.

Blueprint Genetics
Classification: Benign. Last evaluated: 2024-11-27. Review status: criteria provided, single submitter. Criteria: ACMG Guidelines, 2015. Collection method: clinical testing. Allele origin: germline.

Genome-Nilou Lab
Classification: Benign for Pyruvate dehydrogenase E3 deficiency. Last evaluated: 2021-07-01. Review status: criteria provided, single submitter. Criteria: ACMG Guidelines, 2015. Collection method: clinical testing. Allele origin: germline. Affected: no.

Mendelics
Classification: Benign for Pyruvate dehydrogenase E3 deficiency. Last evaluated: 2019-05-28. Review status: criteria provided, single submitter. Criteria: Mendelics Assertion Criteria 2017. Collection method: clinical testing. Allele origin: unknown.

Illumina Laboratory Services, Illumina
Classification: Benign for Pyruvate dehydrogenase complex deficiency. Last evaluated: 2018-01-13. Review status: criteria provided, single submitter. Criteria: ICSL Variant Classification Criteria 13 December 2019. Collection method: clinical testing. Allele origin: germline.
Comment: This variant was observed in the ICSL laboratory as part of a predisposition screen in an ostensibly healthy population. It had not been previously curated by ICSL or reported in the Human Gene Mutation Database (HGMD: prior to June 1st, 2018), and was therefore a candidate for classification through an automated scoring system. Utilizing variant allele frequency, disease prevalence and penetrance estimates, and inheritance mode, an automated score was calculated to assess if this variant is too frequent to cause the disease. Based on the score and internal cut-off values, a variant classified as benign is not then subjected to further curation. The score for this variant resulted in a classification of benign for this disease.

Illumina Laboratory Services, Illumina
Classification: Benign for Pyruvate dehydrogenase E3 deficiency. Last evaluated: 2018-01-13. Review status: criteria provided, single submitter. Criteria: ICSL Variant Classification Criteria 13 December 2019. Collection method: clinical testing. Allele origin: germline.
Comment: the same text as in the submission from Illumina Laboratory Services, Illumina above.

Illumina Laboratory Services, Illumina
Classification: Benign for Leigh syndrome. Last evaluated: 2018-01-13. Review status: criteria provided, single submitter. Criteria: ICSL Variant Classification Criteria 13 December 2019. Collection method: clinical testing. Allele origin: germline.
Comment: the same text as in the submission from Illumina Laboratory Services, Illumina above.

Eurofins Ntd Llc (ga)
Classification: Benign. Last evaluated: 2014-07-23. Review status: criteria provided, single submitter. Criteria: EGL Classification Definitions 2015. Collection method: clinical testing. Allele origin: germline. Observed: 17 variant alleles, 4 heterozygotes, 13 homozygotes.

GeneDx
Classification: Benign. Last evaluated: 2011-07-01. Review status: criteria provided, single submitter. Criteria: GeneDx Variant Classification (06012015). Collection method: clinical testing. Allele origin: germline. Affected: yes.
Comment: This variant is considered likely benign or benign based on one or more of the following criteria: it is a conservative change, it occurs at a poorly conserved position in the protein, it is predicted to be benign by multiple in silico algorithms, and/or has population frequency not consistent with disease.

Breakthrough Genomics
Classification: Likely benign. Review status: criteria provided, single submitter. Criteria: ACMG Guidelines, 2015. Collection method: not provided. Allele origin: germline. Inheritance: Autosomal recessive inheritance. Affected: yes.

PreventionGenetics, part of Exact Sciences
Classification: Likely benign. Review status: criteria provided, single submitter. Criteria: ACMG Guidelines, 2015. Collection method: clinical testing. Allele origin: germline.

Natera, Inc.
Classification: Benign for Maple syrup urine disease type 3. Last evaluated: 2021-01-13. Review status: no assertion criteria provided. Collection method: clinical testing. Allele origin: germline. Not counted in ClinVar's aggregate classification.

Mayo Clinic Laboratories, Mayo Clinic
Classification: Benign. Last evaluated: 2016-02-15. Review status: no assertion criteria provided. Collection method: clinical testing. Allele origin: unknown. Not counted in ClinVar's aggregate classification.

Clinical Genetics, Academic Medical Center
Classification: Benign. Review status: no assertion criteria provided. Collection method: clinical testing. Allele origin: germline. Affected: yes. Study: VKGL Data-share Consensus. Not counted in ClinVar's aggregate classification.

Diagnostic Laboratory, Department of Genetics, University Medical Center Groningen
Classification: Benign for Pyruvate dehydrogenase E3 deficiency. Review status: no assertion criteria provided. Collection method: clinical testing. Allele origin: germline. Affected: yes. Study: VKGL Data-share Consensus. Not counted in ClinVar's aggregate classification.

Joint Genome Diagnostic Labs from Nijmegen and Maastricht, Radboudumc and MUMC+
Classification: Benign. Review status: no assertion criteria provided. Collection method: clinical testing. Allele origin: germline. Affected: yes. Study: VKGL Data-share Consensus. Not counted in ClinVar's aggregate classification.

NM_000108.5(DLD):c.439-7T>C

Gene: DLD (dihydrolipoamide dehydrogenase; plus strand). Cytogenetic location: 7q31.1.
Variant type: single nucleotide variant.
Coding change: c.439-7T>C on transcript NM_000108.5 (MANE Select); 7 bases into the intron before coding-DNA position 439, T replaced by C.
Molecular consequence: intron variant.
Genome position (GRCh38, 1-based): chr7:107,905,354, T>C. VCF-style: chr7-107905354-T-C. GRCh37 (hg19) VCF-style: chr7-107545799-T-C.
Other names: c.438+296T>C (NM_001289752.1); c.370-7T>C (NM_001289751.1); c.142-7T>C (NM_001289750.1).
Identifiers: ClinVar variation 137094 (VCV000137094.30), dbSNP rs10263341, ClinGen allele CA303052.
Genomic context (GRCh38, chr7:107,905,354, plus strand): 5'-TCCTTTGAATGATTTATCAAACAAATTACTTTAAACTTTGTGAATTTATAAAGATTATTT[T>C]GTAAAGGTTGTTCATGTCAATGGATATGGAAAGATAACTGGCAAAAATCAAGTCACTGCT-3'